The following is an entry in ClinVar:

ClinVar aggregate classification (germline): Uncertain significance. Review status: criteria provided, single submitter (1 of 4 stars). 4 submissions from 4 submitters: Uncertain significance (1). 3 of the submissions do not count toward it. Last evaluated 2025-07-16.

Conditions:
Neurodevelopmental disorder with brain anomalies and with or without vertebral or cardiac anomalies. Identifiers: MedGen C5231481, MONDO:0032888, OMIM 618731.
Neurodevelopmental disorders.
Intellectual disability. Also called: intellectual disabilities; Intellectual functioning disability; Intellectual developmental disorder. Identifiers: MedGen C3714756, MeSH D008607, MONDO:0001071, HP:0001249.
Neurodevelopmental delay. Identifiers: MedGen C4022738, HP:0012758.

Allele frequency attached by ClinVar (database versions not stated): ExAC 0.00004; 1000 Genomes Project 0.00020; gnomAD 0.00004; TOPMed 0.00005; gnomAD exomes 0.00006; 1000 Genomes Project 30x 0.00016.

Submissions (4):

Labcorp Genetics (formerly Invitae), Labcorp
Classification: Uncertain significance. Last evaluated: 2025-07-16. Review status: criteria provided, single submitter. Criteria: Invitae Variant Classification Sherloc (09022015). Collection method: clinical testing. Allele origin: germline.
Comment: This sequence change replaces arginine, which is basic and polar, with glutamine, which is neutral and polar, at codon 93 of the DHX37 protein (p.Arg93Gln). This variant is present in population databases (rs575837056, gnomAD 0.02%). This missense change has been observed in individual(s) with clinical features of DHX37-related conditions (PMID: 31256877). ClinVar contains an entry for this variant (Variation ID: 691927). An algorithm developed to predict the effect of missense changes on protein structure and function (PolyPhen-2) suggests that this variant is likely to be tolerated. In summary, the available evidence is currently insufficient to determine the role of this variant in disease. Therefore, it has been classified as a Variant of Uncertain Significance.

OMIM
Classification: Pathogenic for NEURODEVELOPMENTAL DISORDER WITH BRAIN AND CARDIAC ANOMALIES. Last evaluated: 2020-01-22. Review status: no assertion criteria provided. Collection method: literature only. Allele origin: germline. Not counted in ClinVar's aggregate classification.

Lupski Lab, Baylor-Hopkins CMG, Baylor College of Medicine
Classification: Likely pathogenic for Neurodevelopmental delay; Intellectual disability. Last evaluated: 2019-05-30. Review status: no assertion criteria provided. Collection method: research. Allele origin: inherited. Affected: yes. Not counted in ClinVar's aggregate classification.

University of Washington Center for Mendelian Genomics, University of Washington
Classification: Likely pathogenic for Neurodevelopmental disorders. Review status: no assertion criteria provided. Collection method: research. Allele origin: inherited. Affected: yes. Not counted in ClinVar's aggregate classification.

Literature cited by the submitters: PubMed 31256877 (cited by Labcorp Genetics (formerly Invitae), Labcorp and University of Washington Center for Mendelian Genomics, University of Washington); Paine, I. Personal Communication. 2020. Houston, Tx. (cited by OMIM); Hamosh, A. Personal Communication. 2019. Baltimore, Md. (cited by OMIM).

NM_032656.4(DHX37):c.278G>A (p.Arg93Gln)

Gene: DHX37 (DEAH-box helicase 37; minus strand). Cytogenetic location: 12q24.31.
Variant type: single nucleotide variant.
Coding change: c.278G>A on transcript NM_032656.4 (MANE Select); coding-DNA position 278, G replaced by A.
Protein change: p.Arg93Gln; replaces arginine 93 with glutamine.
Molecular consequence: missense variant.
Genome position (GRCh38, 1-based): chr12:124,982,622, C>T on the plus strand (G>A on the coding strand, the complement: DHX37 is on the minus strand). VCF-style: chr12-124982622-C-T. GRCh37 (hg19) VCF-style: chr12-125467168-C-T.
Other names: c.278G>A (NM_032656.3); short protein forms R93Q.
Identifiers: ClinVar variation 691927 (VCV000691927.8), dbSNP rs575837056, ClinGen allele CA6872488.